The following is an entry in ClinVar:

ClinVar aggregate classification (germline): Uncertain significance. Review status: criteria provided, multiple submitters, no conflicts (2 of 4 stars). 3 submissions from 3 submitters: Uncertain significance (3). Last evaluated 2025-01-06.

Conditions:
Inborn genetic diseases. Identifiers: MedGen C0950123, MeSH D030342.

Allele frequency attached by ClinVar (database versions not stated): TOPMed 0.00002; gnomAD 0.00003.

Submissions (3):

Labcorp Genetics (formerly Invitae), Labcorp
Classification: Uncertain significance. Last evaluated: 2025-01-06. Review status: criteria provided, single submitter. Criteria: Invitae Variant Classification Sherloc (09022015). Collection method: clinical testing. Allele origin: germline.
Comment: This sequence change replaces proline, which is neutral and non-polar, with threonine, which is neutral and polar, at codon 337 of the LHX3 protein (p.Pro337Thr). This variant is not present in population databases (gnomAD no frequency). This variant has not been reported in the literature in individuals affected with LHX3-related conditions. ClinVar contains an entry for this variant (Variation ID: 2046816). An algorithm developed to predict the effect of missense changes on protein structure and function (PolyPhen-2) suggests that this variant is likely to be disruptive. In summary, the available evidence is currently insufficient to determine the role of this variant in disease. Therefore, it has been classified as a Variant of Uncertain Significance.

Blueprint Genetics
Classification: Uncertain significance. Last evaluated: 2024-10-09. Review status: criteria provided, single submitter. Criteria: ACMG Guidelines, 2015. Collection method: clinical testing. Allele origin: germline.

Ambry Genetics
Classification: Uncertain significance for Inborn genetic diseases. Last evaluated: 2023-01-18. Review status: criteria provided, single submitter. Criteria: Ambry Variant Classification Scheme 2023. Collection method: clinical testing. Allele origin: germline.

NM_178138.6(LHX3):c.994C>A (p.Pro332Thr)

Gene: LHX3 (LIM homeobox 3; minus strand). Cytogenetic location: 9q34.3.
Variant type: single nucleotide variant.
Coding change: c.994C>A on transcript NM_178138.6 (MANE Select); coding-DNA position 994, C replaced by A.
Protein change: p.Pro332Thr; replaces proline 332 with threonine.
Molecular consequence: missense variant.
Genome position (GRCh38, 1-based): chr9:136,197,525, G>T on the plus strand (C>A on the coding strand, the complement: LHX3 is on the minus strand). VCF-style: chr9-136197525-G-T. GRCh37 (hg19) VCF-style: chr9-139089371-G-T.
Other names: c.961C>A, p.Pro321Thr (NM_001363746.1); c.1009C>A, p.Pro337Thr (NM_014564.5); c.1009C>A (NM_014564.3); short protein forms P321T, P332T, P337T.
Identifiers: ClinVar variation 2046816 (VCV002046816.4), dbSNP rs1052867249, ClinGen allele CA201528703.